The following is an entry in ClinVar:

ClinVar aggregate classification (germline): Uncertain significance (1 of 4 stars; one submission).

Submission:

Labcorp Genetics (formerly Invitae), Labcorp
Classification: Uncertain significance. Last evaluated: 2023-07-10. Review status: criteria provided, single submitter. Criteria: Invitae Variant Classification Sherloc (09022015). Collection method: clinical testing. Allele origin: germline.
Comment: This variant, c.1721_1722ins18, results in the insertion of 6 amino acid(s) of the DNM1L protein (p.Gly575_Gly576ins6), but otherwise preserves the integrity of the reading frame. This variant is not present in population databases (gnomAD no frequency). This variant has not been reported in the literature in individuals affected with DNM1L-related conditions. ClinVar contains an entry for this variant (Variation ID: 1373929). Experimental studies and prediction algorithms are not available or were not evaluated, and the functional significance of this variant is currently unknown. In summary, the available evidence is currently insufficient to determine the role of this variant in disease. Therefore, it has been classified as a Variant of Uncertain Significance.

NM_012062.5(DNM1L):c.1721_1722insAGGTTTTTCAGGTGCATC (p.Gly575_Gly576insPheSerGlyAlaSerGly)

Gene: DNM1L (dynamin 1 like; plus strand). Cytogenetic location: 12p11.21.
Variant type: Insertion.
Coding change: c.1721_1722insAGGTTTTTCAGGTGCATC on transcript NM_012062.5 (MANE Select); coding-DNA positions 1721 to 1722, AGGTTTTTCAGGTGCATC inserted.
Protein change: p.Gly575_Gly576insPheSerGlyAlaSerGly.
Molecular consequence: inframe insertion.
Genome position: GRCh38 VCF-style: chr12-32740077-G-GAGGTTTTTCAGGTGCATC. GRCh37 (hg19) VCF-style: chr12-32893011-G-GAGGTTTTTCAGGTGCATC.
Other names: c.1688_1689insAGGTTTTTCAGGTGCATC, p.Gly564_Gly565insPheSerGlyAlaSerGly (NM_001278463.2); c.1760_1761insAGGTTTTTCAGGTGCATC, p.Gly588_Gly589insPheSerGlyAlaSerGly (NM_001278464.2); c.1727_1728insAGGTTTTTCAGGTGCATC, p.Gly577_Gly578insPheSerGlyAlaSerGly (NM_001278465.2); c.1112_1113insAGGTTTTTCAGGTGCATC, p.Gly372_Gly373insPheSerGlyAlaSerGly (NM_001278466.2); c.1649_1650insAGGTTTTTCAGGTGCATC, p.Gly551_Gly552insPheSerGlyAlaSerGly (NM_001330380.2); c.1610_1611insAGGTTTTTCAGGTGCATC, p.Gly538_Gly539insPheSerGlyAlaSerGly (NM_005690.5); c.1643_1644insAGGTTTTTCAGGTGCATC, p.Gly549_Gly550insPheSerGlyAlaSerGly (NM_012063.4).
Identifiers: ClinVar variation 1373929 (VCV001373929.6), dbSNP rs1799468829, ClinGen allele CA2026321291.